The following is an entry in ClinVar:

ClinVar aggregate classification (germline): Uncertain significance (1 of 4 stars; one submission).

Submission:

CeGaT Center for Human Genetics Tuebingen
Classification: Uncertain significance. Last evaluated: 2023-04-01. Review status: criteria provided, single submitter. Criteria: CeGaT Center For Human Genetics Tuebingen Variant Classification Criteria Version 2. Collection method: clinical testing. Allele origin: germline. Affected: yes. Observed: 1 variant allele.
Comment: SHANK3: PM2, PS2:Moderate, PP2, BP4

NM_001372044.2(SHANK3):c.4709G>C (p.Ser1570Thr)

Gene: SHANK3 (SH3 and multiple ankyrin repeat domains 3; plus strand). Cytogenetic location: 22q13.33.
Variant type: single nucleotide variant.
Coding change: c.4709G>C on transcript NM_001372044.2 (MANE Select); coding-DNA position 4709, G replaced by C.
Protein change: p.Ser1570Thr; replaces serine 1570 with threonine.
Molecular consequence: missense variant.
Genome position (GRCh38, 1-based): chr22:50,722,317, G>C. VCF-style: chr22-50722317-G-C. GRCh37 (hg19) VCF-style: chr22-51160745-G-C.
Other names: c.4484G>C, p.Ser1495Thr (NM_033517.1); short protein forms S1495T, S1570T.
Identifiers: ClinVar variation 2571167 (VCV002571167.27), dbSNP rs2518430528, ClinGen allele CA515265154.